The following is an entry in ClinVar:

ClinVar aggregate classification (germline): Uncertain significance. Review status: criteria provided, multiple submitters, no conflicts (2 of 4 stars). 3 submissions from 2 submitters: Uncertain significance (3). Last evaluated 2024-04-17.

Conditions:
Pseudoachondroplastic spondyloepiphyseal dysplasia syndrome (PSACH). Also called: COMP-Related Pseudoachondroplasia; PSEUDOACHONDROPLASTIC DYSPLASIA; Pseudoachondroplasia. Identifiers: Orphanet 750, MedGen C0410538, MONDO:0008322, OMIM 177170.
Multiple epiphyseal dysplasia type 1. Also called: COMP-Related Multiple Epiphyseal Dysplasia. Identifiers: Orphanet 93308, MedGen C1838280, MONDO:0007561, OMIM 132400.

Allele frequency attached by ClinVar (database versions not stated): gnomAD 0.00001; TOPMed 0.00001.
gnomAD v4.1: 7 of 1,592,750 alleles (0.00044%); highest among the groups gnomAD compares: Non-Finnish European, 0.00059%; no homozygotes.

Submissions (3):

GeneDx
Classification: Uncertain significance. Last evaluated: 2024-04-17. Review status: criteria provided, single submitter. Criteria: GeneDx Variant Classification Process June 2021. Collection method: clinical testing. Allele origin: germline. Affected: yes.
Comment: Not observed at significant frequency in large population cohorts (gnomAD); In silico analysis supports that this missense variant has a deleterious effect on protein structure/function; Has not been previously published as pathogenic or benign to our knowledge

Illumina Laboratory Services, Illumina
Classification: Uncertain significance for Multiple epiphyseal dysplasia type 1. Last evaluated: 2018-01-13. Review status: criteria provided, single submitter. Criteria: ICSL Variant Classification Criteria 13 December 2019. Collection method: clinical testing. Allele origin: germline.

Illumina Laboratory Services, Illumina
Classification: Uncertain significance for Pseudoachondroplastic spondyloepiphyseal dysplasia syndrome. Last evaluated: 2018-01-13. Review status: criteria provided, single submitter. Criteria: ICSL Variant Classification Criteria 13 December 2019. Collection method: clinical testing. Allele origin: germline.

NM_000095.3(COMP):c.377C>T (p.Thr126Ile)

Gene: COMP (cartilage oligomeric matrix protein; minus strand). Cytogenetic location: 19p13.11.
Variant type: single nucleotide variant.
Coding change: c.377C>T on transcript NM_000095.3 (MANE Select); coding-DNA position 377, C replaced by T.
Protein change: p.Thr126Ile; replaces threonine 126 with isoleucine.
Molecular consequence: missense variant.
Genome position (GRCh38, 1-based): chr19:18,789,955, G>A on the plus strand (C>T on the coding strand, the complement: COMP is on the minus strand). VCF-style: chr19-18789955-G-A. GRCh37 (hg19) VCF-style: chr19-18900764-G-A.
Other names: short protein forms T126I.
Identifiers: ClinVar variation 328624 (VCV000328624.6), dbSNP rs886054305, ClinGen allele CA10642490.